The following is an entry in ClinVar:

ClinVar aggregate classification (germline): Pathogenic (0 of 4 stars; one submission).

Conditions:
X-linked sideroblastic anemia 1. Also called: Anemia, hereditary sideroblastic 1, pyridoxine refractory; Erythroid 5-aminolevulinate synthase deficiency; X chromosome-linked sideroblastic anemia; X-linked pyridoxine-refractory sideroblastic anemia; ANEMIA, SIDEROBLASTIC, 1, PYRIDOXINE REFRACTORY; Anemia, sideroblastic, 1. Identifiers: Orphanet 75563, MedGen C4551511, MONDO:0020721, OMIM 300751. Disease mechanism: loss of function.

Submission:

Department of Laboratory Medicine, Kangbuk Samsung Hospital, Sungkyunkwan University School of Medicine
Classification: Pathogenic for X-linked sideroblastic anemia 1. Last evaluated: 2017-08-07. Review status: no assertion criteria provided. Collection method: clinical testing. Allele origin: maternal. Inheritance: X-linked recessive inheritance. Affected: yes. Observed: 1 variant allele, 1 hemizygote.
Comment: Bone marrow studies revealed marked erythroid hyperplasia with over 40% ringed sideroblasts.

NM_000032.5(ALAS2):c.508C>A (p.Arg170Ser)

Gene: ALAS2 (5'-aminolevulinate synthase 2; minus strand). Cytogenetic location: Xp11.21.
Variant type: single nucleotide variant.
Coding change: c.508C>A on transcript NM_000032.5 (MANE Select); coding-DNA position 508, C replaced by A.
Protein change: p.Arg170Ser; replaces arginine 170 with serine.
Molecular consequence: missense variant.
Genome position (GRCh38, 1-based): chrX:55,021,182, G>T on the plus strand (C>A on the coding strand, the complement: ALAS2 is on the minus strand). VCF-style: chrX-55021182-G-T. GRCh37 (hg19) VCF-style: chrX-55047615-G-T.
Other names: c.397C>A, p.Arg133Ser (NM_001037967.4); c.469C>A, p.Arg157Ser (NM_001037968.4); c.508C>A, p.Arg170Ser (LRG_1163t1); short protein forms R170S, R157S, R133S.
Identifiers: ClinVar variation 440879 (VCV000440879.2), dbSNP rs1557248142, ClinGen allele CA413295647.